The following is an entry in ClinVar:

ClinVar aggregate classification (germline): Likely pathogenic (1 of 4 stars; one submission).

Conditions:
Phenylketonuria (PKU). Also called: FOLLING DISEASE; Phenylketonurias; Phenylketonuria (PKU); OLIGOPHRENIA PHENYLPYRUVICA. Identifiers: Orphanet 716, MedGen C0031485, MONDO:0009861, OMIM 261600. Disease mechanism: loss of function.

Submission:

Neuberg Centre For Genomic Medicine, NCGM
Classification: Likely pathogenic for Phenylketonuria. Review status: criteria provided, single submitter. Criteria: ACMG Guidelines, 2015. Collection method: clinical testing. Allele origin: germline. Inheritance: Autosomal recessive inheritance. Affected: yes.
Comment: The frameshift deletion p.E370Rfs*30 in PAH (NM_000277.3) has not been reported previously as a pathogenic variant nor as a benign variant, to our knowledge. The p.E370Rfs*30 variant is novel (not in any individuals) in gnomAD Exomes and is novel (not in any individuals) in 1000 Genomes. This variant is predicted to cause loss of normal protein function through protein truncation. For these reasons, this variant has been classified as Likely Pathogenic.

NM_000277.3(PAH):c.1108del (p.Glu370fs)

Gene: PAH (phenylalanine hydroxylase; minus strand). Cytogenetic location: 12q23.2.
Variant type: Deletion.
Coding change: c.1108del on transcript NM_000277.3 (MANE Select); coding-DNA position 1108, one base deleted (G; older notation c.1108delG).
Protein change: p.Glu370fs; shifts the reading frame from glutamic acid 370.
Molecular consequence: frameshift variant.
Genome position (GRCh38, 1-based): chr12:102,843,737, C deleted on the plus strand (G on the coding strand, the reverse complement: PAH is on the minus strand); the first of 2 consecutive C bases (chr12:102,843,737-102,843,738); deleting either gives the same sequence. VCF-style (leftmost placement, unchanged base first): chr12-102843736-TC-T. GRCh37 (hg19) VCF-style: chr12-103237514-TC-T.
Other names: c.1108del, p.Glu370fs (NM_001354304.2); short protein forms E370fs.
Identifiers: ClinVar variation 2627535 (VCV002627535.1), dbSNP rs2499614176, ClinGen allele CA2582341664.